The following is an entry in ClinVar:

ClinVar aggregate classification (germline): Uncertain significance (1 of 4 stars; one submission).

Conditions:
Mendelian susceptibility to mycobacterial diseases due to complete IL12B deficiency. Also called: IL12B DEFICIENCY; Immunodeficiency 29. Identifiers: Orphanet 319558, MedGen C4013948, MONDO:0013954, OMIM 614890.

Submission:

Labcorp Genetics (formerly Invitae), Labcorp
Classification: Uncertain significance for Mendelian susceptibility to mycobacterial diseases due to complete IL12B deficiency. Last evaluated: 2022-08-07. Review status: criteria provided, single submitter. Criteria: Invitae Variant Classification Sherloc (09022015). Collection method: clinical testing. Allele origin: germline.
Comment: In summary, the available evidence is currently insufficient to determine the role of this variant in disease. Therefore, it has been classified as a Variant of Uncertain Significance. Algorithms developed to predict the effect of sequence changes on RNA splicing suggest that this variant may disrupt the consensus splice site. This variant has not been reported in the literature in individuals affected with IL12B-related conditions. This variant is not present in population databases (gnomAD no frequency). This sequence change affects codon 20 of the IL12B mRNA. It is a 'silent' change, meaning that it does not change the encoded amino acid sequence of the IL12B protein.

NM_002187.3(IL12B):c.60C>A (p.Leu20=)

Gene: IL12B (interleukin 12B; minus strand). Cytogenetic location: 5q33.3.
Variant type: single nucleotide variant.
Coding change: c.60C>A on transcript NM_002187.3 (MANE Select); coding-DNA position 60, C replaced by A.
Protein change: p.Leu20=; no amino-acid change (leucine 20 retained).
Molecular consequence: synonymous variant.
Genome position (GRCh38, 1-based): chr5:159,326,723, G>T on the plus strand (C>A on the coding strand, the complement: IL12B is on the minus strand). VCF-style: chr5-159326723-G-T. GRCh37 (hg19) VCF-style: chr5-158753731-G-T.
Identifiers: ClinVar variation 2131315 (VCV002131315.4), dbSNP rs757871778, ClinGen allele CA447514481.